The following is an entry in ClinVar:

NM_000376.3(VDR):c.*2791G>A

Gene: VDR (vitamin D receptor; minus strand). Cytogenetic location: 12q13.11.
Variant type: single nucleotide variant.
Coding change: c.*2791G>A on transcript NM_000376.3 (MANE Select); 2791 bases downstream of the stop codon, G replaced by A.
Molecular consequence: 3 prime UTR variant.
Genome position (GRCh38, 1-based): chr12:47,841,955, C>T on the plus strand (G>A on the coding strand, the complement: VDR is on the minus strand). VCF-style: chr12-47841955-C-T. GRCh37 (hg19) VCF-style: chr12-48235738-C-T.
Other names: c.*2791G>A (NM_001017535.2, NM_001017536.2, NM_001374661.1 and 1 more transcripts); c.*2590G>A (NM_001364085.2).
Identifiers: ClinVar variation 308816 (VCV000308816.5), dbSNP rs2853563, ClinGen allele CA10641272.

ClinVar aggregate classification (germline): Benign (1 of 4 stars; one submission).

Conditions:
Vitamin D-dependent rickets type II with alopecia (VDDR2A). Also called: HYPOCALCEMIC VITAMIN D-RESISTANT RICKETS; Vitamin D-dependent rickets, type 2A; PDDR IIA; PSEUDOVITAMIN D-DEFICIENCY, TYPE IIA; RICKETS, HEREDITARY VITAMIN D-RESISTANT; RICKETS-ALOPECIA SYNDROME. Identifiers: Orphanet 93160, MedGen C0342646, MONDO:0010186, OMIM 277440.

Allele frequency attached by ClinVar (database versions not stated): gnomAD exomes 0.05072; gnomAD 0.07781 and 0.08064; 1000 Genomes Project 0.08067; TOPMed 0.08127; 1000 Genomes Project 30x 0.08510.

Submission:

Illumina Laboratory Services, Illumina
Classification: Benign for Vitamin D-dependent rickets type II with alopecia. Last evaluated: 2018-01-12. Review status: criteria provided, single submitter. Criteria: ICSL Variant Classification Criteria 13 December 2019. Collection method: clinical testing. Allele origin: germline.
Comment: This variant was observed in the ICSL laboratory as part of a predisposition screen in an ostensibly healthy population. It had not been previously curated by ICSL or reported in the Human Gene Mutation Database (HGMD: prior to June 1st, 2018), and was therefore a candidate for classification through an automated scoring system. Utilizing variant allele frequency, disease prevalence and penetrance estimates, and inheritance mode, an automated score was calculated to assess if this variant is too frequent to cause the disease. Based on the score and internal cut-off values, a variant classified as benign is not then subjected to further curation. The score for this variant resulted in a classification of benign for this disease.